The following is an entry in ClinVar:

ClinVar aggregate classification (germline): Uncertain significance (1 of 4 stars; one submission).

Submission:

Labcorp Genetics (formerly Invitae), Labcorp
Classification: Uncertain significance. Last evaluated: 2025-10-27. Review status: criteria provided, single submitter. Criteria: Invitae Variant Classification Sherloc (09022015). Collection method: clinical testing. Allele origin: germline.
Comment: This sequence change replaces serine, which is neutral and polar, with alanine, which is neutral and non-polar, at codon 102 of the ADGRA3 protein (p.Ser102Ala). This variant is not present in population databases (gnomAD no frequency). This variant has not been reported in the literature in individuals affected with ADGRA3-related conditions. An algorithm developed to predict the effect of missense changes on protein structure and function (PolyPhen-2) suggests that this variant is likely to be tolerated. In summary, the available evidence is currently insufficient to determine the role of this variant in disease. Therefore, it has been classified as a Variant of Uncertain Significance.

NM_145290.4(ADGRA3):c.304T>G (p.Ser102Ala)

Gene: ADGRA3 (adhesion G protein-coupled receptor A3; minus strand). Cytogenetic location: 4p15.2.
Variant type: single nucleotide variant.
Coding change: c.304T>G on transcript NM_145290.4 (MANE Select); coding-DNA position 304, T replaced by G.
Protein change: p.Ser102Ala; replaces serine 102 with alanine.
Molecular consequence: missense variant.
Genome position (GRCh38, 1-based): chr4:22,473,797, A>C on the plus strand (T>G on the coding strand, the complement: ADGRA3 is on the minus strand). VCF-style: chr4-22473797-A-C. GRCh37 (hg19) VCF-style: chr4-22475420-A-C.
Other names: short protein forms S102A.
Identifiers: ClinVar variation 4806022 (VCV004806022.1).